The following is an entry in ClinVar:

NM_022124.6(CDH23):c.6808C>T (p.Arg2270Cys)

Gene: CDH23 (cadherin related 23; plus strand). Cytogenetic location: 10q22.1.
Variant type: single nucleotide variant.
Coding change: c.6808C>T on transcript NM_022124.6 (MANE Select); coding-DNA position 6808, C replaced by T.
Protein change: p.Arg2270Cys; replaces arginine 2270 with cysteine.
Molecular consequence: missense variant.
Genome position (GRCh38, 1-based): chr10:71,797,199, C>T. VCF-style: chr10-71797199-C-T. GRCh37 (hg19) VCF-style: chr10-73556956-C-T.
Other names: c.88C>T, p.Arg30Cys (NM_001171933.1, NM_001171934.1); c.6808C>T (NM_022124.5); short protein forms R2270C, R30C.
Identifiers: ClinVar variation 990290 (VCV000990290.13), dbSNP rs755800639, ClinGen allele CA5546190.

ClinVar aggregate classification (germline): Uncertain significance. Review status: criteria provided, multiple submitters, no conflicts (2 of 4 stars). 6 submissions from 6 submitters: Uncertain significance (5). 1 of the submissions does not count toward it. Last evaluated 2025-03-01.

Conditions:
Autosomal recessive nonsyndromic hearing loss 12. Also called: DEAFNESS, AUTOSOMAL RECESSIVE 12. Identifiers: Orphanet 90636, MedGen C1832394, MONDO:0011067, OMIM 601386.
Pituitary adenoma 5, multiple types. Identifiers: MedGen C4539685, MONDO:0054601, OMIM 617540.
Usher syndrome type 1D (USH1D). Also called: USHER SYNDROME, TYPE ID. Identifiers: Orphanet 231169, Orphanet 886, MedGen C1832845, MONDO:0010984, OMIM 601067.
Inborn genetic diseases. Identifiers: MedGen C0950123, MeSH D030342.
Usher syndrome type 1 (USH1). Also called: RETINITIS PIGMENTOSA AND CONGENITAL DEAFNESS. Identifiers: Orphanet 231169, Orphanet 886, MedGen C1568247, MONDO:0010168, OMIM 276900.

Allele frequency attached by ClinVar (database versions not stated): gnomAD exomes 0.00002; TOPMed 0.00002; ExAC 0.00003; gnomAD 0.00003 and 0.00004.
gnomAD v4.1: 31 of 1,612,452 alleles (0.0019%); highest among the groups gnomAD compares: South Asian, 0.0044%; no homozygotes.

Submissions (6):

CeGaT Center for Human Genetics Tuebingen
Classification: Uncertain significance. Last evaluated: 2025-03-01. Review status: criteria provided, single submitter. Criteria: CeGaT Center For Human Genetics Tuebingen Variant Classification Criteria Version 2. Collection method: clinical testing. Allele origin: germline. Affected: yes. Observed: 1 variant allele.
Comment: CDH23: PM2, BP4

Ambry Genetics
Classification: Uncertain significance for Inborn genetic diseases. Last evaluated: 2024-12-25. Review status: criteria provided, single submitter. Criteria: Ambry Variant Classification Scheme 2023. Collection method: clinical testing. Allele origin: germline.

Blueprint Genetics
Classification: Uncertain significance. Last evaluated: 2024-08-28. Review status: criteria provided, single submitter. Criteria: ACMG Guidelines, 2015. Collection method: clinical testing. Allele origin: germline.

Labcorp Genetics (formerly Invitae), Labcorp
Classification: Uncertain significance. Last evaluated: 2022-09-06. Review status: criteria provided, single submitter. Criteria: Invitae Variant Classification Sherloc (09022015). Collection method: clinical testing. Allele origin: germline.
Comment: This sequence change replaces arginine, which is basic and polar, with cysteine, which is neutral and slightly polar, at codon 2270 of the CDH23 protein (p.Arg2270Cys). This variant is present in population databases (rs755800639, gnomAD 0.01%). This variant has not been reported in the literature in individuals affected with CDH23-related conditions. ClinVar contains an entry for this variant (Variation ID: 990290). Algorithms developed to predict the effect of missense changes on protein structure and function are either unavailable or do not agree on the potential impact of this missense change (SIFT: "Deleterious"; PolyPhen-2: "Not Available"; Align-GVGD: "Class C25"). In summary, the available evidence is currently insufficient to determine the role of this variant in disease. Therefore, it has been classified as a Variant of Uncertain Significance.

Fulgent Genetics
Classification: Uncertain significance for Usher syndrome type 1D; Autosomal recessive nonsyndromic hearing loss 12; Pituitary adenoma 5, multiple types. Last evaluated: 2021-12-06. Review status: criteria provided, single submitter. Criteria: ACMG Guidelines, 2015. Collection method: clinical testing. Allele origin: unknown.

Natera, Inc.
Classification: Uncertain significance for Usher syndrome type 1. Last evaluated: 2020-04-17. Review status: no assertion criteria provided. Collection method: clinical testing. Allele origin: germline. Not counted in ClinVar's aggregate classification.